The following is an entry in ClinVar:

ClinVar aggregate classification (germline): Uncertain significance (1 of 4 stars; one submission).

Conditions:
Polycystic kidney disease, adult type (PKD1). Also called: POLYCYSTIC KIDNEY DISEASE, ADULT, TYPE I; Polycystic Kidney Disease 1, Autosomal Dominant; Polycystic kidney disease 1; Polycystic kidney disease 1, severe; Polycystic Kidney, Autosomal Dominant; POLYCYSTIC KIDNEY DISEASE 1 WITH OR WITHOUT POLYCYSTIC LIVER DISEASE. Identifiers: MedGen C3149841, MONDO:0008263, OMIM 173900.

Submission:

Juno Genomics, Hangzhou Juno Genomics, Inc
Classification: Uncertain significance for Polycystic kidney disease, adult type. Review status: criteria provided, single submitter. Criteria: ACMG Guidelines, 2015. Collection method: clinical testing. Allele origin: germline. Affected: yes.
Comment: Absent from controls (or at extremely low frequency if recessive) in Genome Aggregation Database, Exome Sequencing Project, 1000 Genomes Project, or Exome Aggregation Consortium.;Null variant in a gene where loss of function (LOF) is a known mechanism of disease.;Patient's phenotype or family history is highly specific for a disease with a single genetic etiology.

NM_001009944.3(PKD1):c.9712+2T>G

Gene: PKD1 (polycystin 1, transient receptor potential channel interacting; minus strand). Cytogenetic location: 16p13.3.
Variant type: single nucleotide variant.
Coding change: c.9712+2T>G on transcript NM_001009944.3 (MANE Select); the canonical splice donor site of the intron after coding-DNA position 9712, T replaced by G.
Molecular consequence: splice donor variant.
Genome position (GRCh38, 1-based): chr16:2,100,164, A>C on the plus strand (T>G on the coding strand, the complement: PKD1 is on the minus strand). VCF-style: chr16-2100164-A-C. GRCh37 (hg19) VCF-style: chr16-2150165-A-C.
Other names: c.9712+2T>G (NM_000296.4).
Identifiers: ClinVar variation 3382106 (VCV003382106.2).